The following is an entry in ClinVar:

ClinVar aggregate classification (germline): Uncertain significance (1 of 4 stars; one submission).

Conditions:
Familial intrahepatic cholestasis. Identifiers: Orphanet 284385, MedGen CN296401, MONDO:0017290.

Submission:

Genomenon, Inc
Classification: Uncertain significance for Familial intrahepatic cholestasis. Last evaluated: 2026-04-14. Review status: criteria provided, single submitter. Criteria: Genomenon Sequence Variant Interpretation Standards - Updated. Collection method: curation. Allele origin: germline. Affected: yes.
Comment: ABCB11 p.Ile1320Asn (c.3959T>A) is a missense variant that changes the amino acid at residue 1320 from Isoleucine to Asparagine. This variant has been observed in at least one proband with an ABCB11-related disorder (PMID:35535061). It is absent or not present at a significant frequency in gnomAD. In conclusion, we classify ABCB11 p.Ile1320Asn (c.3959T>A) as a variant of uncertain significance.

Literature cited by the submitters: PubMed 35535061.

NM_003742.4(ABCB11):c.3959T>A (p.Ile1320Asn)

Gene: ABCB11 (ATP binding cassette subfamily B member 11; minus strand). Cytogenetic location: 2q31.1.
Variant type: single nucleotide variant.
Coding change: c.3959T>A on transcript NM_003742.4 (MANE Select); coding-DNA position 3959, T replaced by A.
Protein change: p.Ile1320Asn; replaces isoleucine 1320 with asparagine.
Molecular consequence: missense variant.
Genome position (GRCh38, 1-based): chr2:168,923,629, A>T on the plus strand (T>A on the coding strand, the complement: ABCB11 is on the minus strand). VCF-style: chr2-168923629-A-T. GRCh37 (hg19) VCF-style: chr2-169780139-A-T.
Other names: short protein forms I1320N.
Identifiers: ClinVar variation 4846043 (VCV004846043.1).
Genomic context (GRCh38, chr2:168,923,629, plus strand): 5'-AAAACAACCCCTGTAACTGGTGCGTCATGTGTGTCTGAGATTCTTGCATTGGGTCAACTG[A>T]TGGGGGATCCAGTGGTGACTAGTTTGTAGTAGGCTCCTTTTTGGGCCATCAGTTCTTCAT-3'
Protein context (NP_003733.2, residues 1310-1321): YYKLVTTGSP[Ile1320Asn]S